The following is an entry in ClinVar:

NM_003890.3(FCGBP):c.3732T>C (p.Cys1244=)

Gene: FCGBP (Fc gamma binding protein; minus strand). Cytogenetic location: 19q13.2.
Variant type: single nucleotide variant.
Coding change: c.3732T>C on transcript NM_003890.3 (MANE Select); coding-DNA position 3732, T replaced by C.
Protein change: p.Cys1244=; no amino-acid change (cysteine 1244 retained).
Molecular consequence: synonymous variant.
Identifiers: ClinVar variation 4083609 (VCV004083609.5).

ClinVar aggregate classification (germline): Likely benign (1 of 4 stars; one submission).

Submission:

CeGaT Center for Human Genetics Tuebingen
Classification: Likely benign. Last evaluated: 2025-06-01. Review status: criteria provided, single submitter. Criteria: CeGaT Center For Human Genetics Tuebingen Variant Classification Criteria Version 2. Collection method: clinical testing. Allele origin: germline. Affected: yes. Observed: 1 variant allele.
Comment: FCGBP: BP4, BP7